The following is an entry in ClinVar:

ClinVar aggregate classification (germline): Likely benign. Review status: criteria provided, multiple submitters, no conflicts (2 of 4 stars). 2 submissions from 2 submitters: Likely benign (2). Last evaluated 2024-08-15.

Conditions:
Dextro-looped transposition of the great arteries. Also called: Dextrotransposition of the great arteries. Identifiers: Orphanet 860, MedGen C3531771, MONDO:0019443, OMIM 608808, HP:0031348.

Allele frequency attached by ClinVar (database versions not stated): ExAC 0.00004; TOPMed 0.00004.

Submissions (2):

Labcorp Genetics (formerly Invitae), Labcorp
Classification: Likely benign for Dextro-looped transposition of the great arteries. Last evaluated: 2024-08-15. Review status: criteria provided, single submitter. Criteria: Invitae Variant Classification Sherloc (09022015). Collection method: clinical testing. Allele origin: germline.

CeGaT Center for Human Genetics Tuebingen
Classification: Likely benign. Last evaluated: 2023-05-01. Review status: criteria provided, single submitter. Criteria: CeGaT Center For Human Genetics Tuebingen Variant Classification Criteria Version 2. Collection method: clinical testing. Allele origin: germline. Affected: yes. Observed: 1 variant allele.
Comment: MED13L: BP4

NM_015335.5(MED13L):c.2996+7A>G

Gene: MED13L (mediator complex subunit 13L; minus strand). Cytogenetic location: 12q24.21.
Variant type: single nucleotide variant.
Coding change: c.2996+7A>G on transcript NM_015335.5 (MANE Select); 7 bases into the intron after coding-DNA position 2996, A replaced by G.
Molecular consequence: intron variant.
Genome position (GRCh38, 1-based): chr12:115,996,469, T>C on the plus strand (A>G on the coding strand, the complement: MED13L is on the minus strand). VCF-style: chr12-115996469-T-C. GRCh37 (hg19) VCF-style: chr12-116434274-T-C.
Identifiers: ClinVar variation 2153942 (VCV002153942.28), dbSNP rs775346686, ClinGen allele CA6811060.